The following is an entry in ClinVar:

NM_000124.4(ERCC6):c.3456T>G (p.Gly1152=)

Gene: ERCC6 (ERCC excision repair 6, chromatin remodeling factor; minus strand). Cytogenetic location: 10q11.23.
Variant type: single nucleotide variant.
Coding change: c.3456T>G on transcript NM_000124.4 (MANE Select); coding-DNA position 3456, T replaced by G.
Protein change: p.Gly1152=; no amino-acid change (glycine 1152 retained).
Molecular consequence: synonymous variant.
Genome position (GRCh38, 1-based): chr10:49,470,504, A>C on the plus strand (T>G on the coding strand, the complement: ERCC6 is on the minus strand). VCF-style: chr10-49470504-A-C. GRCh37 (hg19) VCF-style: chr10-50678550-A-C.
Other names: c.3456T>G, p.Gly1152= (NM_001346440.2).
Identifiers: ClinVar variation 300049 (VCV000300049.44), dbSNP rs148366188, ClinGen allele CA5495348.
Genomic context (GRCh38, chr10:49,470,504, plus strand): 5'-TTTATTCTCCCAAAAAGCTTCTGTTTGAGCCTGGCTGGGTCTTTCTCTTTTGTAAGAAAG[A>C]CCTAACTTTTCATCAATGCTTTCATCACCAGATGGCATAGAAGTTTTGCCTGTTCCTGAA-3'
Protein context (NP_000115.1, residues 1142-1162): SGDESIDEKL[Gly1152=]LSYKRERPSQ

ClinVar aggregate classification (germline): Benign/Likely benign. Review status: criteria provided, multiple submitters, no conflicts (2 of 4 stars). 10 submissions from 8 submitters: Benign (1); Likely benign (7). 2 of the submissions do not count toward it. Last evaluated 2026-09-01.

Conditions:
Age related macular degeneration 5. Identifiers: MedGen C3151063, MONDO:0013409, OMIM 613761.
Cockayne syndrome type 2 (CSB). Also called: COCKAYNE SYNDROME B; Cockayne Syndrome, Type II. Identifiers: Orphanet 191, Orphanet 90322, MedGen C0751038, MONDO:0019570, OMIM 133540.
Cerebrooculofacioskeletal syndrome 1 (COFS1). Also called: Cerebro-oculo-facio-skeletal syndrome 1. Identifiers: MedGen C0220722, MONDO:0008955, OMIM 214150.

Allele frequency attached by ClinVar (database versions not stated): 1000 Genomes Project 0.00100; gnomAD 0.00107 and 0.00108; 1000 Genomes Project 30x 0.00109; ExAC 0.00109; gnomAD exomes 0.00110 and 0.00133; ESP Exome Variant Server 0.00161; TOPMed 0.00161.
gnomAD v4.1: 2,103 of 1,614,132 alleles (0.13%); highest among the groups gnomAD compares: Admixed American, 0.3%; 2 homozygotes.

Submissions (10):

CeGaT Center for Human Genetics Tuebingen
Classification: Likely benign. Last evaluated: 2026-09-01. Review status: criteria provided, single submitter. Criteria: CeGaT Center For Human Genetics Tuebingen Variant Classification Criteria Version 2. Collection method: clinical testing. Allele origin: germline. Affected: yes. Observed: 2 variant alleles.
Comment: ERCC6: BP4, BP7

Labcorp Genetics (formerly Invitae), Labcorp
Classification: Benign. Last evaluated: 2026-01-28. Review status: criteria provided, single submitter. Criteria: Invitae Variant Classification Sherloc (09022015). Collection method: clinical testing. Allele origin: germline.

Blueprint Genetics
Classification: Likely benign. Last evaluated: 2024-11-19. Review status: criteria provided, single submitter. Criteria: ACMG Guidelines, 2015. Collection method: clinical testing. Allele origin: germline.

GeneDx
Classification: Likely benign. Last evaluated: 2021-03-02. Review status: criteria provided, single submitter. Criteria: GeneDx Variant Classification Process June 2021. Collection method: clinical testing. Allele origin: germline. Affected: yes.
Comment: This variant is associated with the following publications: (PMID: 19894250)

Illumina Laboratory Services, Illumina
Classification: Likely benign for Age related macular degeneration 5. Last evaluated: 2018-01-12. Review status: criteria provided, single submitter. Criteria: ICSL Variant Classification Criteria 13 December 2019. Collection method: clinical testing. Allele origin: germline.
Comment: This variant was observed in the ICSL laboratory as part of a predisposition screen in an ostensibly healthy population. It had not been previously curated by ICSL or reported in the Human Gene Mutation Database (HGMD: prior to June 1st, 2018), and was therefore a candidate for classification through an automated scoring system. Utilizing variant allele frequency, disease prevalence and penetrance estimates, and inheritance mode, an automated score was calculated to assess if this variant is too frequent to cause the disease. Based on the score and internal cut-off values, a variant classified as likely benign is not then subjected to further curation. The score for this variant resulted in a classification of likely benign for this disease.

Illumina Laboratory Services, Illumina
Classification: Likely benign for Cerebrooculofacioskeletal syndrome 1. Last evaluated: 2018-01-12. Review status: criteria provided, single submitter. Criteria: ICSL Variant Classification Criteria 13 December 2019. Collection method: clinical testing. Allele origin: germline.
Comment: the same text as in the submission from Illumina Laboratory Services, Illumina above.

Illumina Laboratory Services, Illumina
Classification: Likely benign for Cockayne syndrome type 2. Last evaluated: 2018-01-12. Review status: criteria provided, single submitter. Criteria: ICSL Variant Classification Criteria 13 December 2019. Collection method: clinical testing. Allele origin: germline.
Comment: the same text as in the submission from Illumina Laboratory Services, Illumina above.

Breakthrough Genomics
Classification: Likely benign. Review status: criteria provided, single submitter. Criteria: ACMG Guidelines, 2015. Collection method: not provided. Allele origin: germline. Inheritance: Autosomal recessive inheritance. Affected: yes.

Clinical Genetics DNA and cytogenetics Diagnostics Lab, Erasmus MC, Erasmus Medical Center
Classification: Likely benign. Review status: no assertion criteria provided. Collection method: clinical testing. Allele origin: germline. Affected: yes. Study: VKGL Data-share Consensus. Not counted in ClinVar's aggregate classification.

Genome Diagnostics Laboratory, University Medical Center Utrecht
Classification: Likely benign. Review status: no assertion criteria provided. Collection method: clinical testing. Allele origin: germline. Affected: yes. Study: VKGL Data-share Consensus. Not counted in ClinVar's aggregate classification.